The following is an entry in ClinVar:

NM_015102.5(NPHP4):c.977C>T (p.Ser326Phe)

Gene: NPHP4 (nephrocystin 4; minus strand). Cytogenetic location: 1p36.31.
Variant type: single nucleotide variant.
Coding change: c.977C>T on transcript NM_015102.5 (MANE Select); coding-DNA position 977, C replaced by T.
Protein change: p.Ser326Phe; replaces serine 326 with phenylalanine.
Molecular consequence: missense variant. On other transcripts: 5 prime UTR variant (2), non-coding transcript variant (1).
Genome position (GRCh38, 1-based): chr1:5,948,085, G>A on the plus strand (C>T on the coding strand, the complement: NPHP4 is on the minus strand). VCF-style: chr1-5948085-G-A. GRCh37 (hg19) VCF-style: chr1-6008145-G-A.
Other names: c.-390C>T (NM_001291593.2, NM_001291594.2); short protein forms S326F.
Identifiers: ClinVar variation 2063213 (VCV002063213.2), dbSNP rs1647209300, ClinGen allele CA338064464.
Genomic context (GRCh38, chr1:5,948,085, plus strand): 5'-CCCTTGCACATCCCCACCCATCCCTGGGGACCCAAGAGACAATACCTGGTCTTGGAAGAG[G>A]AGACCACTTTCCTGCTGAAGCTAGCTGAGCGCGTCAAGGCCACATCCATCTCAGGCACCA-3'
Protein context (NP_055917.1, residues 316-336): RSASFSRKVV[Ser326Phe]SSKTSSGSQA

ClinVar aggregate classification (germline): Uncertain significance (1 of 4 stars; one submission).

Conditions:
Nephronophthisis. Also called: Juvenile Nephronophthisis. Identifiers: Orphanet 655, MedGen C0687120, MONDO:0019005, HP:0000090.

Allele frequency attached by ClinVar (database versions not stated): gnomAD exomes below 0.00001; TOPMed below 0.00001.
gnomAD v4.1: 1 of 1,613,614 alleles (0.000062%); highest among the groups gnomAD compares: Non-Finnish European, 0.000085%; no homozygotes.

Submission:

Labcorp Genetics (formerly Invitae), Labcorp
Classification: Uncertain significance for Nephronophthisis. Last evaluated: 2022-09-06. Review status: criteria provided, single submitter. Criteria: Invitae Variant Classification Sherloc (09022015). Collection method: clinical testing. Allele origin: germline.
Comment: In summary, the available evidence is currently insufficient to determine the role of this variant in disease. Therefore, it has been classified as a Variant of Uncertain Significance. Algorithms developed to predict the effect of missense changes on protein structure and function output the following: SIFT: "Deleterious"; PolyPhen-2: "Benign"; Align-GVGD: "Class C0". The phenylalanine amino acid residue is found in multiple mammalian species, which suggests that this missense change does not adversely affect protein function. This variant has not been reported in the literature in individuals affected with NPHP4-related conditions. This variant is not present in population databases (gnomAD no frequency). This sequence change replaces serine, which is neutral and polar, with phenylalanine, which is neutral and non-polar, at codon 326 of the NPHP4 protein (p.Ser326Phe).